The following is an entry in ClinVar:

ClinVar aggregate classification (germline): Benign. Review status: criteria provided, multiple submitters, no conflicts (2 of 4 stars). 2 submissions from 2 submitters: Benign (2). Last evaluated 2018-01-12.

Conditions:
Diabetes insipidus, nephrogenic, autosomal (NDI2). Also called: Nephrogenic Diabetes Insipidus, Type II; Diabetes insipidus, nephrogenic, 2, autosomal. Identifiers: Orphanet 223, MedGen C1563706, MONDO:0007451, OMIM 125800.

Allele frequency attached by ClinVar (database versions not stated): 1000 Genomes Project 0.01498; 1000 Genomes Project 30x 0.01718; gnomAD 0.02840 and 0.02919; TOPMed 0.02875.

Submissions (2):

Illumina Laboratory Services, Illumina
Classification: Benign for Diabetes insipidus, nephrogenic, autosomal. Last evaluated: 2018-01-12. Review status: criteria provided, single submitter. Criteria: ICSL Variant Classification Criteria 13 December 2019. Collection method: clinical testing. Allele origin: germline.
Comment: This variant was observed in the ICSL laboratory as part of a predisposition screen in an ostensibly healthy population. It had not been previously curated by ICSL or reported in the Human Gene Mutation Database (HGMD: prior to June 1st, 2018), and was therefore a candidate for classification through an automated scoring system. Utilizing variant allele frequency, disease prevalence and penetrance estimates, and inheritance mode, an automated score was calculated to assess if this variant is too frequent to cause the disease. Based on the score and internal cut-off values, a variant classified as benign is not then subjected to further curation. The score for this variant resulted in a classification of benign for this disease.

Breakthrough Genomics
Classification: Benign. Review status: criteria provided, single submitter. Criteria: ACMG Guidelines, 2015. Collection method: not provided. Allele origin: germline. Inheritance: Autosomal dominant inheritance. Affected: yes.

NM_000486.6(AQP2):c.*2250C>T

Genes: AQP2 (aquaporin 2; plus strand), AQP5-AS1 (AQP5 and AQP2 antisense RNA 2; minus strand). Cytogenetic location: 12q13.12.
Variant type: single nucleotide variant.
Coding change: c.*2250C>T on transcript NM_000486.6 (MANE Select); 2250 bases downstream of the stop codon, C replaced by T.
Molecular consequence: 3 prime UTR variant.
Genome position (GRCh38, 1-based): chr12:49,957,858, C>T. VCF-style: chr12-49957858-C-T. GRCh37 (hg19) VCF-style: chr12-50351641-C-T.
Identifiers: ClinVar variation 309262 (VCV000309262.6), dbSNP rs296767, ClinGen allele CA10641633.
Genomic context (GRCh38, chr12:49,957,858, plus strand): 5'-GCAAGGCAGTGAGCTATGAGCCCAGCATGGATGTGTCTCAGGCACCTCATCCCCACCCCA[C>T]CTCACCCCAACAAACTCCTCTAGAAGAAGCCAAGAATTTCTCTCTATGTCTGTTTCACTT-3'